The following is an entry in ClinVar:

NM_001164508.2(NEB):c.18861C>T (p.Arg6287=)

Gene: NEB (nebulin; minus strand). Cytogenetic location: 2q23.3.
Variant type: single nucleotide variant.
Coding change: c.18861C>T on transcript NM_001164508.2 (MANE Select); coding-DNA position 18861, C replaced by T.
Protein change: p.Arg6287=; no amino-acid change (arginine 6287 retained).
Molecular consequence: synonymous variant.
Genome position (GRCh38, 1-based): chr2:151,562,641, G>A on the plus strand (C>T on the coding strand, the complement: NEB is on the minus strand). VCF-style: chr2-151562641-G-A. GRCh37 (hg19) VCF-style: chr2-152419155-G-A.
Other names: p.Arg6287=; c.18861C>T, p.Arg6287= (NM_001164507.2, NM_001271208.2); c.13758C>T, p.Arg4586= (NM_004543.5).
Identifiers: ClinVar variation 257776 (VCV000257776.58), dbSNP rs146294986, ClinGen allele CA1907833.

ClinVar aggregate classification (germline): Benign/Likely benign. Review status: criteria provided, multiple submitters, no conflicts (2 of 4 stars). 8 submissions from 8 submitters: Benign (4); Likely benign (4). Last evaluated 2026-01-28.

Conditions:
Nemaline myopathy 2 (NEM2). Also called: Nemaline myopathy 2, autosomal recessive. Identifiers: MedGen C1850569, MONDO:0009725, OMIM 256030.

Allele frequency attached by ClinVar (database versions not stated): gnomAD 0.00286 and 0.00264; gnomAD exomes 0.00032 and 0.00072; ExAC 0.00100; 1000 Genomes Project 30x 0.00219; 1000 Genomes Project 0.00240; ESP Exome Variant Server 0.00258; TOPMed 0.00284.
gnomAD v4.1: 893 of 1,583,948 alleles (0.056%); highest among the groups gnomAD compares: African/African-American, 0.9%; 6 homozygotes.

Submissions (8):

Labcorp Genetics (formerly Invitae), Labcorp
Classification: Benign for Nemaline myopathy 2. Last evaluated: 2026-01-28. Review status: criteria provided, single submitter. Criteria: Invitae Variant Classification Sherloc (09022015). Collection method: clinical testing. Allele origin: germline.

Mayo Clinic Laboratories, Mayo Clinic
Classification: Likely benign. Last evaluated: 2024-12-13. Review status: criteria provided, single submitter. Criteria: ACMG Guidelines, 2015. Collection method: clinical testing. Allele origin: germline. Observed: 4 variant alleles.
Comment: BS1, BP4, BP7

Blueprint Genetics
Classification: Likely benign. Last evaluated: 2024-11-26. Review status: criteria provided, single submitter. Criteria: ACMG Guidelines, 2015. Collection method: clinical testing. Allele origin: germline.

CeGaT Center for Human Genetics Tuebingen
Classification: Likely benign. Last evaluated: 2024-07-01. Review status: criteria provided, single submitter. Criteria: CeGaT Center For Human Genetics Tuebingen Variant Classification Criteria Version 2. Collection method: clinical testing. Allele origin: germline. Affected: yes. Observed: 2 variant alleles.
Comment: NEB: BP4, BP7, BS2

GeneDx
Classification: Benign. Last evaluated: 2020-03-26. Review status: criteria provided, single submitter. Criteria: GeneDx Variant Classification Process June 2021. Collection method: clinical testing. Allele origin: germline. Affected: yes.

Eurofins Ntd Llc (ga)
Classification: Benign. Last evaluated: 2015-06-11. Review status: criteria provided, single submitter. Criteria: EGL Classification Definitions 2015. Collection method: clinical testing. Allele origin: germline. Observed: 1 variant allele, 1 heterozygote.

Breakthrough Genomics
Classification: Likely benign. Review status: criteria provided, single submitter. Criteria: ACMG Guidelines, 2015. Collection method: not provided. Allele origin: germline. Inheritance: Autosomal recessive inheritance. Affected: yes.

PreventionGenetics, part of Exact Sciences
Classification: Benign. Review status: criteria provided, single submitter. Criteria: ACMG Guidelines, 2015. Collection method: clinical testing. Allele origin: germline.